The following is an entry in ClinVar:

NM_000179.3(MSH6):c.643G>C (p.Val215Leu)

Gene: MSH6 (mutS homolog 6; plus strand). Cytogenetic location: 2p16.3.
Variant type: single nucleotide variant.
Coding change: c.643G>C on transcript NM_000179.3 (MANE Select); coding-DNA position 643, G replaced by C.
Protein change: p.Val215Leu; replaces valine 215 with leucine.
Molecular consequence: missense variant. On other transcripts: 5 prime UTR variant (2).
Genome position (GRCh38, 1-based): chr2:47,798,626, G>C. VCF-style: chr2-47798626-G-C. GRCh37 (hg19) VCF-style: chr2-48025765-G-C.
Other names: c.253G>C, p.Val85Leu (NM_001281492.2); c.-264G>C (NM_001281493.2, NM_001281494.2); short protein forms V215L, V85L.
Identifiers: ClinVar variation 628619 (VCV000628619.16), dbSNP rs145959653, ClinGen allele CA073290.
Genomic context (GRCh38, chr2:47,798,626, plus strand): 5'-TCCAAATTTTGATTTGTTTTTAAATACTCTTTCCTTGCCTGGCAGGTAGGCACAACTTAC[G>C]TAACAGATAAGAGTGAAGAAGATAATGAAATTGAGAGTGAAGAGGAAGTACAGCCTAAGA-3'
Protein context (NP_000170.1, residues 205-225): EEEMEVGTTY[Val215Leu]TDKSEEDNEI

ClinVar aggregate classification (germline): Conflicting classifications of pathogenicity. Review status: criteria provided, conflicting classifications (1 of 4 stars). 5 submissions from 5 submitters: Uncertain significance (4); Likely benign (1). Last evaluated 2025-05-05.

Conditions:
Hereditary nonpolyposis colorectal neoplasms. Identifiers: MedGen C0009405, MeSH D003123.
Hereditary cancer-predisposing syndrome. Also called: Neoplastic Syndromes, Hereditary; Tumor predisposition; Hereditary neoplastic syndrome; Hereditary Cancer Syndrome. Identifiers: Orphanet 140162, MedGen C0027672, MeSH D009386, MONDO:0015356.
Lynch syndrome. Identifiers: Orphanet 144, MedGen C4552100, MONDO:0005835. Disease mechanism: loss of function.

Allele frequency attached by ClinVar (database versions not stated): TOPMed 0.00001.
gnomAD v4.1: 2 of 1,610,788 alleles (0.00012%); highest among the groups gnomAD compares: East Asian, 0.0022%; no homozygotes.

Submissions (5):

Labcorp Genetics (formerly Invitae), Labcorp
Classification: Likely benign for Hereditary nonpolyposis colorectal neoplasms. Last evaluated: 2025-05-05. Review status: criteria provided, single submitter. Criteria: Invitae Variant Classification Sherloc (09022015). Collection method: clinical testing. Allele origin: germline.

Ambry Genetics
Classification: Uncertain significance for Hereditary cancer-predisposing syndrome. Last evaluated: 2025-04-23. Review status: criteria provided, single submitter. Criteria: Ambry Variant Classification Scheme 2023. Collection method: clinical testing. Allele origin: germline.
Comment: The p.V215L variant (also known as c.643G>C), located in coding exon 4 of the MSH6 gene, results from a G to C substitution at nucleotide position 643. The valine at codon 215 is replaced by leucine, an amino acid with highly similar properties. In one study, this variant was reported in an individual affected with colorectal cancer (Yurgelun MB et al. J Clin Oncol, 2017 Apr;35:1086-1095). In another study, this variant was detected in 0/165 colorectal cancer and/or polyposis patients and was identified in 1/2512 control individuals from a healthy population database (Rosenthal EA et al. Hum Genet, 2018 Oct;137:795-806). This amino acid position is poorly conserved in available vertebrate species. In addition, this alteration is predicted to be tolerated by in silico analysis. Since supporting evidence is limited at this time, the clinical significance of this alteration remains unclear.

All of Us Research Program, National Institutes of Health
Classification: Uncertain significance for Lynch syndrome. Last evaluated: 2024-07-29. Review status: criteria provided, single submitter. Criteria: ACMG Guidelines, 2015. Collection method: clinical testing. Allele origin: germline. Inheritance: Autosomal dominant inheritance. Observed: 1 variant allele, 1 heterozygote.
Comment: This missense variant replaces valine with leucine at codon 215 of the MSH6 protein. Computational prediction suggests that this variant may not impact protein structure and function (internally defined REVEL score threshold <= 0.5, PMID: 27666373). To our knowledge, functional studies have not been reported for this variant. This variant has been reported in an individual affected with colorectal cancer (PMID: 28135145). This variant has been identified in 1/246848 chromosomes in the general population by the Genome Aggregation Database (gnomAD). The available evidence is insufficient to determine the role of this variant in disease conclusively. Therefore, this variant is classified as a Variant of Uncertain Significance.

This study involves interpretation of variants in research participants for the purpose of population health screening. Participant phenotype was not available at the time of variant classification. Additional details can be found in publication PMID: 35346344, PMCID: PMC8962531

Color Diagnostics, LLC DBA Color Health
Classification: Uncertain significance for Hereditary cancer-predisposing syndrome. Last evaluated: 2024-06-26. Review status: criteria provided, single submitter. Criteria: ACMG Guidelines, 2015. Collection method: clinical testing. Allele origin: germline.
Comment: This missense variant replaces valine with leucine at codon 215 of the MSH6 protein. Computational prediction suggests that this variant may not impact protein structure and function (internally defined REVEL score threshold <= 0.5, PMID: 27666373). To our knowledge, functional studies have not been reported for this variant. This variant has been reported in an individual affected with colorectal cancer (PMID: 28135145). This variant has been identified in 1/246848 chromosomes in the general population by the Genome Aggregation Database (gnomAD). The available evidence is insufficient to determine the role of this variant in disease conclusively. Therefore, this variant is classified as a Variant of Uncertain Significance.

GeneDx
Classification: Uncertain significance. Last evaluated: 2022-08-30. Review status: criteria provided, single submitter. Criteria: GeneDx Variant Classification Process June 2021. Collection method: clinical testing. Allele origin: germline. Affected: yes.
Comment: Observed in individuals with colorectal cancer in published literature (Yurgelun et al., 2017); Not observed at significant frequency in large population cohorts (gnomAD); In silico analysis supports that this missense variant does not alter protein structure/function; This variant is associated with the following publications: (PMID: 28135145)

Literature cited by the submitters: PubMed 28135145 (cited by 3 submitters); PubMed 30267214 (cited by Ambry Genetics).